The following is an entry in ClinVar:

ClinVar aggregate classification (germline): Likely benign. Review status: criteria provided, multiple submitters, no conflicts (2 of 4 stars). 2 submissions from 2 submitters: Likely benign (2). Last evaluated 2026-07-10.

Conditions:
Cardiovascular phenotype. Identifiers: MedGen CN230736.

Allele frequency attached by ClinVar (database versions not stated): gnomAD 0.00001; gnomAD exomes below 0.00001; TOPMed 0.00001.
gnomAD v4.1: 6 of 1,551,620 alleles (0.00039%); highest among the groups gnomAD compares: Non-Finnish European, 0.00052%; no homozygotes.

Submissions (2):

Ambry Genetics
Classification: Likely benign for Cardiovascular phenotype. Last evaluated: 2026-07-10. Review status: criteria provided, single submitter. Criteria: Ambry Variant Classification Scheme 2023. Collection method: clinical testing. Allele origin: germline.

Laboratory for Molecular Medicine, Mass General Brigham Personalized Medicine
Classification: Likely benign. Last evaluated: 2012-09-10. Review status: criteria provided, single submitter. Criteria: LMM Criteria. Collection method: clinical testing. Allele origin: germline. Observed: 1 variant allele.
Comment: Pro1061Pro in exon 11 of RBM20: This variant is not expected to have clinical si gnificance because it does not alter an amino acid residue and is not located wi thin the splice consensus sequence. Pro1061Pro in exon 11 of RBM20 (allele fre quency = n/a)

NM_001134363.3(RBM20):c.3183A>G (p.Pro1061=)

Gene: RBM20 (RNA binding motif protein 20; plus strand). Cytogenetic location: 10q25.2.
Variant type: single nucleotide variant.
Coding change: c.3183A>G on transcript NM_001134363.3 (MANE Select); coding-DNA position 3183, A replaced by G.
Protein change: p.Pro1061=; no amino-acid change (proline 1061 retained).
Molecular consequence: synonymous variant.
Genome position (GRCh38, 1-based): chr10:110,821,802, A>G. VCF-style: chr10-110821802-A-G. GRCh37 (hg19) VCF-style: chr10-112581560-A-G.
Identifiers: ClinVar variation 44005 (VCV000044005.6), dbSNP rs397516612, ClinGen allele CA133359.